The following is an entry in ClinVar:

NM_000038.6(APC):c.4770A>G (p.Lys1590=)

Gene: APC (APC regulator of Wnt signaling pathway; plus strand). Cytogenetic location: 5q22.2.
Variant type: single nucleotide variant.
Coding change: c.4770A>G on transcript NM_000038.6 (MANE Select); coding-DNA position 4770, A replaced by G.
Protein change: p.Lys1590=; no amino-acid change (lysine 1590 retained).
Molecular consequence: synonymous variant.
Genome position (GRCh38, 1-based): chr5:112,840,364, A>G. VCF-style: chr5-112840364-A-G. GRCh37 (hg19) VCF-style: chr5-112176061-A-G.
Other names: c.4770A>G, p.Lys1590= (NM_001127510.3, NM_001354895.2); c.4716A>G, p.Lys1572= (NM_001127511.3); c.4824A>G, p.Lys1608= (NM_001354896.2); c.4800A>G, p.Lys1600= (NM_001354897.2); c.4695A>G, p.Lys1565= (NM_001354898.2); c.4686A>G, p.Lys1562= (NM_001354899.2); c.4647A>G, p.Lys1549= (NM_001354900.2); c.4593A>G, p.Lys1531= (NM_001354901.2); and 5 more.
Identifiers: ClinVar variation 486738 (VCV000486738.59), dbSNP rs973476980, ClinGen allele CA125167788.

ClinVar aggregate classification (germline): Conflicting classifications of pathogenicity. Review status: criteria provided, conflicting classifications (1 of 4 stars). 7 submissions from 7 submitters: Uncertain significance (1); Benign (1); Likely benign (4). 1 of the submissions does not count toward it. Last evaluated 2025-08-20.

Conditions:
Hereditary cancer-predisposing syndrome. Also called: Tumor predisposition; Hereditary Cancer Syndrome; Hereditary neoplastic syndrome; Neoplastic Syndromes, Hereditary. Identifiers: Orphanet 140162, MedGen C0027672, MeSH D009386, MONDO:0015356.
APC-related disorder. Also called: APC-related condition.
Familial adenomatous polyposis 1 (FAP1). Also called: FAMILIAL ADENOMATOUS POLYPOSIS 1, ATTENUATED; POLYPOSIS, ADENOMATOUS INTESTINAL. Identifiers: MedGen C2713442, MONDO:0021056, OMIM 175100. Disease mechanism: loss of function.

Allele frequency attached by ClinVar (database versions not stated): gnomAD exomes below 0.00001; TOPMed 0.00001.
gnomAD v4.1: 2 of 1,614,240 alleles (0.00012%); highest among the groups gnomAD compares: Non-Finnish European, 0.00017%; no homozygotes.

Submissions (7):

Labcorp Genetics (formerly Invitae), Labcorp
Classification: Likely benign for Familial adenomatous polyposis 1. Last evaluated: 2025-08-20. Review status: criteria provided, single submitter. Criteria: Invitae Variant Classification Sherloc (09022015). Collection method: clinical testing. Allele origin: germline.

Color Diagnostics, LLC DBA Color Health
Classification: Likely benign for Hereditary cancer-predisposing syndrome. Last evaluated: 2024-03-31. Review status: criteria provided, single submitter. Criteria: ACMG Guidelines, 2015. Collection method: clinical testing. Allele origin: germline.

Myriad Genetics, Inc.
Classification: Benign for Familial adenomatous polyposis 1. Last evaluated: 2024-03-27. Review status: criteria provided, single submitter. Criteria: Myriad Autosomal Dominant, Autosomal Recessive and X-Linked Classification Criteria (2023). Collection method: clinical testing. Allele origin: unknown.
Comment: This variant is considered benign. This variant is a silent/synonymous amino acid change and it is not expected to impact splicing.

GeneDx
Classification: Uncertain significance. Last evaluated: 2023-10-04. Review status: criteria provided, single submitter. Criteria: GeneDx Variant Classification Process June 2021. Collection method: clinical testing. Allele origin: germline. Affected: yes.
Comment: Not observed at significant frequency in large population cohorts (gnomAD); In silico analysis supports that this variant does not alter splicing; Has not been previously published as pathogenic or benign to our knowledge

Women's Health and Genetics/Laboratory Corporation of America, LabCorp
Classification: Likely benign. Last evaluated: 2023-01-06. Review status: criteria provided, single submitter. Criteria: LabCorp Variant Classification Summary - May 2015. Collection method: clinical testing. Allele origin: germline.
Comment: Variant summary: APC c.4770A>G alters a conserved nucleotide resulting in a synonymous change. 4/4 computational tools predict no significant impact on normal splicing. However, these predictions have yet to be confirmed by functional studies. The variant was absent in 251148 control chromosomes (gnomAD). The available data on variant occurrences in the general population are insufficient to allow any conclusion about variant significance. To our knowledge, no occurrence of c.4770A>G in individuals affected with Familial Adenomatous Polyposis and no experimental evidence demonstrating its impact on protein function have been reported. Two clinical diagnostic laboratories have submitted clinical-significance assessments for this variant to ClinVar after 2014 and all classified the variant as likely benign. Based on the evidence outlined above, the variant was classified as likely benign.

Ambry Genetics
Classification: Likely benign for Hereditary cancer-predisposing syndrome. Last evaluated: 2017-02-14. Review status: criteria provided, single submitter. Criteria: Ambry Variant Classification Scheme 2023. Collection method: clinical testing. Allele origin: germline.

PreventionGenetics, part of Exact Sciences
Classification: Likely benign for APC-related condition. Last evaluated: 2024-07-18. Review status: no assertion criteria provided. Collection method: clinical testing. Allele origin: germline. Not counted in ClinVar's aggregate classification.
Comment: This variant is classified as likely benign based on ACMG/AMP sequence variant interpretation guidelines (Richards et al. 2015 PMID: 25741868, with internal and published modifications).